The following is an entry in ClinVar:

NM_017671.5(FERMT1):c.1885G>A (p.Val629Ile)

Gene: FERMT1 (FERM domain containing kindlin 1; minus strand). Cytogenetic location: 20p12.3.
Variant type: single nucleotide variant.
Coding change: c.1885G>A on transcript NM_017671.5 (MANE Select); coding-DNA position 1885, G replaced by A.
Protein change: p.Val629Ile; replaces valine 629 with isoleucine.
Molecular consequence: missense variant.
Genome position (GRCh38, 1-based): chr20:6,077,322, C>T on the plus strand (G>A on the coding strand, the complement: FERMT1 is on the minus strand). VCF-style: chr20-6077322-C-T. GRCh37 (hg19) VCF-style: chr20-6057969-C-T.
Other names: short protein forms V629I.
Identifiers: ClinVar variation 1976356 (VCV001976356.2), dbSNP rs1347340686, ClinGen allele CA408175828.

ClinVar aggregate classification (germline): Uncertain significance (1 of 4 stars; one submission).

Allele frequency attached by ClinVar (database versions not stated): gnomAD exomes below 0.00001; gnomAD 0.00001; TOPMed 0.00002.
gnomAD v4.1: 4 of 1,613,996 alleles (0.00025%); highest among the groups gnomAD compares: African/African-American, 0.0053%; no homozygotes.

Submission:

Labcorp Genetics (formerly Invitae), Labcorp
Classification: Uncertain significance. Last evaluated: 2022-05-04. Review status: criteria provided, single submitter. Criteria: Invitae Variant Classification Sherloc (09022015). Collection method: clinical testing. Allele origin: germline.
Comment: This sequence change replaces valine, which is neutral and non-polar, with isoleucine, which is neutral and non-polar, at codon 629 of the FERMT1 protein (p.Val629Ile). This variant is not present in population databases (gnomAD no frequency). This variant has not been reported in the literature in individuals affected with FERMT1-related conditions. Algorithms developed to predict the effect of missense changes on protein structure and function (SIFT, PolyPhen-2, Align-GVGD) all suggest that this variant is likely to be tolerated. In summary, the available evidence is currently insufficient to determine the role of this variant in disease. Therefore, it has been classified as a Variant of Uncertain Significance.